The following is an entry in ClinVar:

ClinVar aggregate classification (germline): Uncertain significance (1 of 4 stars; one submission).

Conditions:
Anterior segment dysgenesis 7 (ASGD7). Also called: Anterior segment dysgenesis 7, with sclerocornea; SCLEROCORNEA WITH OTHER OCULAR ANOMALIES. Identifiers: Orphanet 289499, MedGen C3151617, MONDO:0010015, OMIM 269400.

Allele frequency attached by ClinVar (database versions not stated): TOPMed 0.00001; ExAC 0.00005.
gnomAD v4.1: 63 of 1,521,168 alleles (0.0041%); highest among the groups gnomAD compares: Non-Finnish European, 0.0055%; no homozygotes.

Submission:

Labcorp Genetics (formerly Invitae), Labcorp
Classification: Uncertain significance for Anterior segment dysgenesis 7. Last evaluated: 2024-10-22. Review status: criteria provided, single submitter. Criteria: Invitae Variant Classification Sherloc (09022015). Collection method: clinical testing. Allele origin: germline.
Comment: This sequence change replaces alanine, which is neutral and non-polar, with threonine, which is neutral and polar, at codon 134 of the PXDN protein (p.Ala134Thr). This variant is present in population databases (rs756631872, gnomAD 0.006%). This variant has not been reported in the literature in individuals affected with PXDN-related conditions. ClinVar contains an entry for this variant (Variation ID: 2083850). An algorithm developed to predict the effect of missense changes on protein structure and function (PolyPhen-2) suggests that this variant is likely to be tolerated. In summary, the available evidence is currently insufficient to determine the role of this variant in disease. Therefore, it has been classified as a Variant of Uncertain Significance.

NM_012293.3(PXDN):c.400G>A (p.Ala134Thr)

Gene: PXDN (peroxidasin; minus strand). Cytogenetic location: 2p25.3.
Variant type: single nucleotide variant.
Coding change: c.400G>A on transcript NM_012293.3 (MANE Select); coding-DNA position 400, G replaced by A.
Protein change: p.Ala134Thr; replaces alanine 134 with threonine.
Molecular consequence: missense variant.
Genome position (GRCh38, 1-based): chr2:1,687,648, C>T on the plus strand (G>A on the coding strand, the complement: PXDN is on the minus strand). VCF-style: chr2-1687648-C-T. GRCh37 (hg19) VCF-style: chr2-1691420-C-T.
Other names: short protein forms A134T.
Identifiers: ClinVar variation 2083850 (VCV002083850.4), dbSNP rs756631872, ClinGen allele CA1513678.